The following is an entry in ClinVar:

NM_017637.6(BNC2):c.1157C>T (p.Ala386Val)

Gene: BNC2 (basonuclin zinc finger protein 2; minus strand). Cytogenetic location: 9p22.3.
Variant type: single nucleotide variant.
Coding change: c.1157C>T on transcript NM_017637.6 (MANE Select); coding-DNA position 1157, C replaced by T.
Protein change: p.Ala386Val; replaces alanine 386 with valine.
Molecular consequence: missense variant.
Genome position (GRCh38, 1-based): chr9:16,437,037, G>A on the plus strand (C>T on the coding strand, the complement: BNC2 is on the minus strand). VCF-style: chr9-16437037-G-A. GRCh37 (hg19) VCF-style: chr9-16437035-G-A.
Other names: c.1031C>T, p.Ala344Val (NM_001317939.2); c.872C>T, p.Ala291Val (NM_001317940.2); short protein forms A344V, A386V, A291V.
Identifiers: ClinVar variation 2055710 (VCV002055710.3), dbSNP rs150998148, ClinGen allele CA4996112.
Genomic context (GRCh38, chr9:16,437,037, plus strand): 5'-TGAATGGGAGAGACACAGGCTGGCTCGGTTTTGGGCTCCACATTAGTAATGCTGGTCAGG[G>A]CATTTCTATTGGGTGTTTGATCATTCTTATAAGGTGTGGGAGAAACTTCGGATTCGCTGC-3'
Protein context (NP_060107.3, residues 376-396): YKNDQTPNRN[Ala386Val]LTSITNVEPK

ClinVar aggregate classification (germline): Uncertain significance. Review status: criteria provided, multiple submitters, no conflicts (2 of 4 stars). 2 submissions from 2 submitters: Uncertain significance (2). Last evaluated 2025-03-05.

Conditions:
Inborn genetic diseases. Identifiers: MedGen C0950123, MeSH D030342.

Allele frequency attached by ClinVar (database versions not stated): ExAC 0.00004; TOPMed 0.00004; gnomAD 0.00007; gnomAD exomes 0.00008; ESP Exome Variant Server 0.00015.
gnomAD v4.1: 135 of 1,613,976 alleles (0.0084%); highest among the groups gnomAD compares: Non-Finnish European, 0.01%; no homozygotes.

Submissions (2):

Labcorp Genetics (formerly Invitae), Labcorp
Classification: Uncertain significance. Last evaluated: 2025-03-05. Review status: criteria provided, single submitter. Criteria: Invitae Variant Classification Sherloc (09022015). Collection method: clinical testing. Allele origin: germline.
Comment: This sequence change replaces alanine, which is neutral and non-polar, with valine, which is neutral and non-polar, at codon 386 of the BNC2 protein (p.Ala386Val). This variant is present in population databases (rs150998148, gnomAD 0.009%). This variant has not been reported in the literature in individuals affected with BNC2-related conditions. ClinVar contains an entry for this variant (Variation ID: 2055710). An algorithm developed to predict the effect of missense changes on protein structure and function (PolyPhen-2) suggests that this variant is likely to be tolerated. In summary, the available evidence is currently insufficient to determine the role of this variant in disease. Therefore, it has been classified as a Variant of Uncertain Significance.

Ambry Genetics
Classification: Uncertain significance for Inborn genetic diseases. Last evaluated: 2025-01-10. Review status: criteria provided, single submitter. Criteria: Ambry Variant Classification Scheme 2023. Collection method: clinical testing. Allele origin: germline.